The following is an entry in ClinVar:

NM_017950.4(CCDC40):c.2498dup (p.Met833fs)

Gene: CCDC40 (coiled-coil domain 40 molecular ruler complex subunit; plus strand). Cytogenetic location: 17q25.3.
Variant type: Duplication.
Coding change: c.2498dup on transcript NM_017950.4 (MANE Select); coding-DNA position 2498, one base duplicated (T; older notation c.2498dupT).
Protein change: p.Met833fs; shifts the reading frame from methionine 833.
Molecular consequence: frameshift variant.
Genome position (GRCh38, 1-based): chr17:80,087,655, T duplicated. VCF-style (leftmost placement, unchanged base first): chr17-80087654-A-AT. GRCh37 (hg19) VCF-style: chr17-78061453-A-AT.
Other names: c.2498dup, p.Met833fs (NM_001243342.2); short protein forms M833fs.
Identifiers: ClinVar variation 2906212 (VCV002906212.3), dbSNP rs2510317115, ClinGen allele CA2576413677.

ClinVar aggregate classification (germline): Pathogenic (1 of 4 stars; one submission).

Conditions:
Primary ciliary dyskinesia. Also called: Ciliary dyskinesia. Identifiers: Orphanet 244, MedGen C0008780, MONDO:0016575, HP:0012265.

Submission:

Labcorp Genetics (formerly Invitae), Labcorp
Classification: Pathogenic for Primary ciliary dyskinesia. Last evaluated: 2023-01-23. Review status: criteria provided, single submitter. Criteria: Invitae Variant Classification Sherloc (09022015). Collection method: clinical testing. Allele origin: germline.
Comment: This sequence change creates a premature translational stop signal (p.Met833Ilefs*17) in the CCDC40 gene. It is expected to result in an absent or disrupted protein product. Loss-of-function variants in CCDC40 are known to be pathogenic (PMID: 21131974, 22693285, 23255504). For these reasons, this variant has been classified as Pathogenic. This variant has not been reported in the literature in individuals affected with CCDC40-related conditions. This variant is not present in population databases (gnomAD no frequency).

Literature cited by the submitters: PubMed 21131974; PubMed 22693285; PubMed 23255504.